The following is an entry in ClinVar:

NM_006767.4(LZTR1):c.947T>G (p.Val316Gly)

Gene: LZTR1 (leucine zipper like post translational regulator 1; plus strand). Cytogenetic location: 22q11.21.
Variant type: single nucleotide variant.
Coding change: c.947T>G on transcript NM_006767.4 (MANE Select); coding-DNA position 947, T replaced by G.
Protein change: p.Val316Gly; replaces valine 316 with glycine.
Molecular consequence: missense variant.
Genome position (GRCh38, 1-based): chr22:20,991,783, T>G. VCF-style: chr22-20991783-T-G. GRCh37 (hg19) VCF-style: chr22-21346072-T-G.
Other names: short protein forms V316G.
Identifiers: ClinVar variation 4101823 (VCV004101823.1).

ClinVar aggregate classification (germline): Uncertain significance (1 of 4 stars; one submission).

Conditions:
Cardiovascular phenotype. Identifiers: MedGen CN230736.
Hereditary cancer-predisposing syndrome. Also called: Tumor predisposition; Neoplastic Syndromes, Hereditary; Hereditary neoplastic syndrome; Hereditary Cancer Syndrome. Identifiers: Orphanet 140162, MedGen C0027672, MeSH D009386, MONDO:0015356.

Submission:

Ambry Genetics
Classification: Uncertain significance for Cardiovascular phenotype; Hereditary cancer-predisposing syndrome. Last evaluated: 2025-06-23. Review status: criteria provided, single submitter. Criteria: Ambry Variant Classification Scheme 2023. Collection method: clinical testing. Allele origin: germline.
Comment: The p.V316G variant (also known as c.947T>G), located in coding exon 9 of the LZTR1 gene, results from a T to G substitution at nucleotide position 947. The valine at codon 316 is replaced by glycine, an amino acid with dissimilar properties. This amino acid position is conserved. In addition, this alteration is predicted to be deleterious by in silico analysis. Based on the available evidence, the clinical significance of this variant remains unclear.